The following is an entry in ClinVar:

ClinVar aggregate classification (germline): Likely benign. Review status: criteria provided, multiple submitters, no conflicts (2 of 4 stars). 2 submissions from 2 submitters: Likely benign (2). Last evaluated 2026-05-10.

Conditions:
NTRK2-related disorder. Also called: NTRK2-related condition.

Allele frequency attached by ClinVar (database versions not stated): gnomAD 0.00001; TOPMed 0.00001.
gnomAD v4.1: 2 of 1,614,162 alleles (0.00012%); highest among the groups gnomAD compares: African/African-American, 0.0027%; no homozygotes.

Submissions (2):

PreventionGenetics, part of Exact Sciences
Classification: Likely benign for NTRK2-related condition. Last evaluated: 2026-05-10. Review status: criteria provided, single submitter. Criteria: ACMG Guidelines, 2015. Collection method: clinical testing. Allele origin: germline.
Comment: This variant is classified as likely benign based on ACMG/AMP sequence variant interpretation guidelines (Richards et al. 2015 PMID: 25741868, with internal and published modifications).

Labcorp Genetics (formerly Invitae), Labcorp
Classification: Likely benign. Last evaluated: 2023-04-10. Review status: criteria provided, single submitter. Criteria: Invitae Variant Classification Sherloc (09022015). Collection method: clinical testing. Allele origin: germline.

NM_006180.6(NTRK2):c.2097G>T (p.Leu699=)

Gene: NTRK2 (neurotrophic receptor tyrosine kinase 2; plus strand). Cytogenetic location: 9q21.33.
Variant type: single nucleotide variant.
Coding change: c.2097G>T on transcript NM_006180.6 (MANE Select); coding-DNA position 2097, G replaced by T.
Protein change: p.Leu699=; no amino-acid change (leucine 699 retained).
Molecular consequence: synonymous variant.
Genome position (GRCh38, 1-based): chr9:84,955,442, G>T. VCF-style: chr9-84955442-G-T. GRCh37 (hg19) VCF-style: chr9-87570357-G-T.
Other names: c.2049G>T, p.Leu683= (NM_001018064.3, NM_001369532.1, NM_001369533.1); c.2013G>T, p.Leu671= (NM_001369534.1); c.1581G>T, p.Leu527= (NM_001369535.1); c.1629G>T, p.Leu543= (NM_001369536.1); c.2097G>T (NM_006180.4).
Identifiers: ClinVar variation 1555242 (VCV001555242.9), dbSNP rs756786488, ClinGen allele CA5105911.